The following is an entry in ClinVar:

ClinVar aggregate classification (germline): Uncertain significance. Review status: criteria provided, multiple submitters, no conflicts (2 of 4 stars). 2 submissions from 2 submitters: Uncertain significance (2). Last evaluated 2022-02-03.

Conditions:
Inborn genetic diseases. Identifiers: MedGen C0950123, MeSH D030342.
Idiopathic generalized epilepsy. Also called: Generalised epilepsy; EIG. Identifiers: MedGen C0270850, MONDO:0005579, OMIM 600669.
Hyperaldosteronism, familial, type IV (HALD4). Also called: FH IV; ALDOSTERONISM, PRIMARY, AND HYPERTENSION. Identifiers: MONDO:0014875, OMIM 617027, Orphanet 642671, MedGen C4310756.

gnomAD v4.1: 14 of 1,605,442 alleles (0.00087%); highest among the groups gnomAD compares: South Asian, 0.0099%; no homozygotes.

Submissions (2):

Labcorp Genetics (formerly Invitae), Labcorp
Classification: Uncertain significance for Idiopathic generalized epilepsy; Hyperaldosteronism, familial, type IV. Last evaluated: 2022-02-03. Review status: criteria provided, single submitter. Criteria: Invitae Variant Classification Sherloc (09022015). Collection method: clinical testing. Allele origin: germline.
Comment: ClinVar contains an entry for this variant (Variation ID: 947930). This variant has not been reported in the literature in individuals affected with CACNA1H-related conditions. This variant is present in population databases (rs751450496, gnomAD 0.02%). This sequence change replaces leucine, which is neutral and non-polar, with phenylalanine, which is neutral and non-polar, at codon 1306 of the CACNA1H protein (p.Leu1306Phe). Algorithms developed to predict the effect of missense changes on protein structure and function are either unavailable or do not agree on the potential impact of this missense change (SIFT: "Deleterious"; PolyPhen-2: "Probably Damaging"; Align-GVGD: "Class C15"). In summary, the available evidence is currently insufficient to determine the role of this variant in disease. Therefore, it has been classified as a Variant of Uncertain Significance.

Ambry Genetics
Classification: Uncertain significance for Inborn genetic diseases. Last evaluated: 2021-07-21. Review status: criteria provided, single submitter. Criteria: Ambry Variant Classification Scheme 2023. Collection method: clinical testing. Allele origin: germline.

NM_021098.3(CACNA1H):c.3916C>T (p.Leu1306Phe)

Gene: CACNA1H (calcium voltage-gated channel subunit alpha1 H; plus strand). Cytogenetic location: 16p13.3.
Variant type: single nucleotide variant.
Coding change: c.3916C>T on transcript NM_021098.3 (MANE Select); coding-DNA position 3916, C replaced by T.
Protein change: p.Leu1306Phe; replaces leucine 1306 with phenylalanine.
Molecular consequence: missense variant.
Genome position (GRCh38, 1-based): chr16:1,210,440, C>T. VCF-style: chr16-1210440-C-T. GRCh37 (hg19) VCF-style: chr16-1260440-C-T.
Other names: c.3916C>T, p.Leu1306Phe (NM_001005407.2); short protein forms L1306F.
Identifiers: ClinVar variation 947930 (VCV000947930.10), dbSNP rs751450496, ClinGen allele CA7801014.